The following is an entry in ClinVar:

NM_000059.4(BRCA2):c.4615_4616del (p.Leu1539fs)

Gene: BRCA2 (BRCA2 DNA repair associated; plus strand). Cytogenetic location: 13q13.1.
Variant type: Deletion.
Coding change: c.4615_4616del on transcript NM_000059.4 (MANE Select); coding-DNA positions 4615 to 4616, 2 bases deleted (TT; older notation c.4615_4616delTT).
Protein change: p.Leu1539fs; shifts the reading frame from leucine 1539.
Molecular consequence: frameshift variant.
Genome position (GRCh38, 1-based): chr13:32,338,970-32,338,971, TT deleted; deleting any 2 consecutive bases within chr13:32,338,969-32,338,971 gives the same sequence; the c. name uses the placement nearest the transcript's 3' end. VCF-style (leftmost placement, unchanged base first): chr13-32338968-CTT-C. GRCh37 (hg19) VCF-style: chr13-32913105-CTT-C.
Other names: c.4615_4616delTT (NM_000059.3).
Identifiers: ClinVar variation 225717 (VCV000225717.33), dbSNP rs869320783, ClinGen allele CA10576066.
Genomic context (GRCh38, chr13:32,338,968, plus strand): 5'-AACCTACTCTATTGGGTTTTCATACAGCTAGCGGGAAAAAAGTTAAAATTGCAAAGGAAT[CTT>C]TGGACAAAGTGAAAAACCTTTTTGATGAAAAAGAGCAAGGTACTAGTGAAATCACCAGTT-3'

ClinVar aggregate classification (germline): Pathogenic. Review status: reviewed by expert panel (3 of 4 stars). 12 submissions from 12 submitters: Pathogenic (1). 11 of the submissions do not count toward it. Last evaluated 2016-09-08.

Conditions:
Breast-ovarian cancer, familial, susceptibility to, 2 (BROVCA2). Also called: BRCA2 Hereditary Breast and Ovarian Cancer. Identifiers: Orphanet 145, MedGen C2675520, MONDO:0012933, OMIM 612555. Disease mechanism: loss of function.
Hereditary cancer-predisposing syndrome. Also called: Tumor predisposition; Neoplastic Syndromes, Hereditary; Hereditary Cancer Syndrome; Hereditary neoplastic syndrome. Identifiers: Orphanet 140162, MedGen C0027672, MeSH D009386, MONDO:0015356.
Hereditary breast ovarian cancer syndrome. Also called: Hereditary breast and ovarian cancer; Hereditary breast and ovarian cancer syndrome (HBOC); Hereditary breast and/or ovarian cancer syndrome; Hereditary breast and ovarian cancer syndrome; Breast and ovarian cancer; BRCA1- and BRCA2-Associated Hereditary Breast and Ovarian Cancer. Identifiers: Orphanet 145, MedGen C0677776, MeSH D061325, MONDO:0003582. Disease mechanism: loss of function.
Familial cancer of breast. Also called: hereditary breast carcinoma; BREAST CANCER, FAMILIAL; Hereditary breast cancer. Identifiers: Orphanet 227535, MedGen C0346153, MONDO:0016419, OMIM 114480. Disease mechanism: loss of function.

Submissions (12):

Evidence-based Network for the Interpretation of Germline Mutant Alleles (ENIGMA)
Classification: Pathogenic for Breast-ovarian cancer, familial, susceptibility to, 2. Last evaluated: 2016-09-08. Review status: reviewed by expert panel. Criteria: ENIGMA BRCA1/2 Classification Criteria (2015). Collection method: curation. Allele origin: germline.
Comment: Variant allele predicted to encode a truncated non-functional protein.

Women's Health and Genetics/Laboratory Corporation of America, LabCorp
Classification: Pathogenic for Hereditary breast ovarian cancer syndrome. Last evaluated: 2026-06-30. Review status: criteria provided, single submitter. Criteria: LabCorp Variant Classification Summary - May 2015. Collection method: clinical testing. Allele origin: germline. Not counted in ClinVar's aggregate classification.
Comment: Variant summary: BRCA2 c.4615_4616delTT (p.Leu1539GlyfsX8) results in a premature termination codon, predicted to cause a truncation of the encoded protein or absence of the protein due to nonsense mediated decay, which are commonly known mechanisms for disease. The variant was absent in 250406 control chromosomes. c.4615_4616delTT has been observed in individuals affected with BRCA2-related Breast cancer or Ovarian cancer (Teixeira_2018, Liu_2021). These reports strongly suggest that this variant is associated with disease. To our knowledge, no experimental evidence demonstrating an impact on protein function has been reported. The following publications have been ascertained in the context of this evaluation (PMID: 33461583, 29483665). ClinVar contains an entry for this variant (Variation ID: 225717). Based on the evidence outlined above, the variant was classified as pathogenic.

Labcorp Genetics (formerly Invitae), Labcorp
Classification: Pathogenic for Hereditary breast ovarian cancer syndrome. Last evaluated: 2026-01-25. Review status: criteria provided, single submitter. Criteria: Invitae Variant Classification Sherloc (09022015). Collection method: clinical testing. Allele origin: germline. Not counted in ClinVar's aggregate classification.
Comment: This sequence change creates a premature translational stop signal (p.Leu1539Glyfs*8) in the BRCA2 gene. It is expected to result in an absent or disrupted protein product. Loss-of-function variants in BRCA2 are known to be pathogenic (PMID: 20104584). This variant is not present in population databases (gnomAD no frequency). This premature translational stop signal has been observed in individual(s) with clinical features of BRCA2-related conditions (PMID: 29483665). ClinVar contains an entry for this variant (Variation ID: 225717). For these reasons, this variant has been classified as Pathogenic.

Color Diagnostics, LLC DBA Color Health
Classification: Pathogenic for Hereditary cancer-predisposing syndrome. Last evaluated: 2025-06-17. Review status: criteria provided, single submitter. Criteria: ACMG Guidelines, 2015. Collection method: clinical testing. Allele origin: germline. Not counted in ClinVar's aggregate classification.
Comment: This variant deletes 2 nucleotides in exon 11 of the BRCA2 gene, creating a frameshift and premature translation stop signal. This variant is expected to result in an absent or non-functional protein product. This variant has been reported in individuals affected with hereditary breast and ovarian cancer (PMID: 29446198, 29483665). This variant has not been identified in the general population by the Genome Aggregation Database (gnomAD). Loss of BRCA2 function is a known mechanism of disease. Based on the available evidence, this variant is classified as Pathogenic.

Quest Diagnostics Nichols Institute San Juan Capistrano
Classification: Pathogenic. Last evaluated: 2024-10-02. Review status: criteria provided, single submitter. Criteria: Quest Diagnostics criteria. Collection method: clinical testing. Allele origin: unknown. Not counted in ClinVar's aggregate classification.
Comment: The BRCA2 c.4615_4616del (p.Leu1539Glyfs*8) variant alters the translational reading frame of the BRCA2 mRNA and causes the premature termination of BRCA2 protein synthesis. This variant has been reported in the published literature in an individual affected with breast cancer (PMID: 33461583 (2021)). This variant has not been reported in large, multi-ethnic general populations (Genome Aggregation Database). Based on the available information, this variant is classified as pathogenic.

Ambry Genetics
Classification: Pathogenic for Hereditary cancer-predisposing syndrome. Last evaluated: 2024-06-19. Review status: criteria provided, single submitter. Criteria: Ambry Variant Classification Scheme 2023. Collection method: clinical testing. Allele origin: germline. Not counted in ClinVar's aggregate classification.
Comment: The c.4615_4616delTT pathogenic mutation, located in coding exon 10 of the BRCA2 gene, results from a deletion of two nucleotides at nucleotide positions 4615 to 4616, causing a translational frameshift with a predicted alternate stop codon (p.L1539Gfs*8). This mutation has been reported in a Dutch family with hereditary breast and ovarian cancer (Teixeira N et al. Eur. J. Hum. Genet. 2018 06;26(6):848-857). This alteration is expected to result in loss of function by premature protein truncation or nonsense-mediated mRNA decay. As such, this alteration is interpreted as a disease-causing mutation.

GeneDx
Classification: Pathogenic. Last evaluated: 2022-11-30. Review status: criteria provided, single submitter. Criteria: GeneDx Variant Classification Process June 2021. Collection method: clinical testing. Allele origin: germline. Affected: yes. Not counted in ClinVar's aggregate classification.
Comment: Frameshift variant predicted to result in protein truncation or nonsense mediated decay in a gene for which loss of function is a known mechanism of disease; Observed in individuals with a personal or family history consistent with pathogenic variants in this gene (Teixeira et al., 2018); Truncating variants in this gene are considered pathogenic by a well-established clinical consortium and/or database; Not observed at significant frequency in large population cohorts (gnomAD); Also known as 4843_4844del; This variant is associated with the following publications: (PMID: 29483665)

Baylor Genetics
Classification: Pathogenic for Familial cancer of breast. Last evaluated: 2021-07-29. Review status: criteria provided, single submitter. Criteria: ACMG Guidelines, 2015. Collection method: clinical testing. Allele origin: unknown. Not counted in ClinVar's aggregate classification.

Consortium of Investigators of Modifiers of BRCA1/2 (CIMBA), c/o University of Cambridge
Classification: Pathogenic for Breast-ovarian cancer, familial, susceptibility to, 2. Last evaluated: 2015-10-02. Review status: criteria provided, single submitter. Criteria: CIMBA Mutation Classification guidelines May 2016. Collection method: clinical testing. Allele origin: germline. Not counted in ClinVar's aggregate classification.

Molecular Genetics Laboratory, University of Michigan
Classification: Pathogenic for Breast-ovarian cancer, familial, susceptibility to, 2. Last evaluated: 2014-11-03. Review status: criteria provided, single submitter. Criteria: ACMG Guidelines, 2015. Collection method: clinical testing. Allele origin: germline. Affected: yes. Not counted in ClinVar's aggregate classification.

Clinical Genetics DNA and cytogenetics Diagnostics Lab, Erasmus MC, Erasmus Medical Center
Classification: Pathogenic. Review status: no assertion criteria provided. Collection method: clinical testing. Allele origin: germline. Affected: yes. Study: VKGL Data-share Consensus. Not counted in ClinVar's aggregate classification.

Diagnostic Laboratory, Department of Genetics, University Medical Center Groningen
Classification: Pathogenic. Review status: no assertion criteria provided. Collection method: clinical testing. Allele origin: germline. Affected: yes. Study: VKGL Data-share Consensus. Not counted in ClinVar's aggregate classification.

Literature cited by the submitters: PubMed 29483665 (cited by 4 submitters); PubMed 33461583 (cited by Women's Health and Genetics/Laboratory Corporation of America, LabCorp and Quest Diagnostics Nichols Institute San Juan Capistrano); PubMed 20104584 (cited by Labcorp Genetics (formerly Invitae), Labcorp); PubMed 29446198 (cited by Color Diagnostics, LLC DBA Color Health and Quest Diagnostics Nichols Institute San Juan Capistrano).